The following is an entry in ClinVar:

ClinVar aggregate classification (germline): Uncertain significance (1 of 4 stars; one submission).

Conditions:
Tay-Sachs disease (TSD). Also called: HEXA DEFICIENCY; GM2 gangliosidosis, type 1; Hexosaminidase alpha-subunit deficiency (variant B); Sphingolipidosis, Tay-Sachs; HEXA Disorders; Hexosaminidase A Deficiency. Identifiers: Orphanet 845, MedGen C0039373, MONDO:0010100, OMIM 272800.

gnomAD v4.1: 3 of 1,611,174 alleles (0.00019%); highest among the groups gnomAD compares: Non-Finnish European, 0.00017%; no homozygotes.

Submission:

Labcorp Genetics (formerly Invitae), Labcorp
Classification: Uncertain significance for Tay-Sachs disease. Last evaluated: 2022-08-23. Review status: criteria provided, single submitter. Criteria: Invitae Variant Classification Sherloc (09022015). Collection method: clinical testing. Allele origin: germline.
Comment: This sequence change replaces aspartic acid, which is acidic and polar, with tyrosine, which is neutral and polar, at codon 123 of the HEXA protein (p.Asp123Tyr). This variant is not present in population databases (gnomAD no frequency). This variant has not been reported in the literature in individuals affected with HEXA-related conditions. ClinVar contains an entry for this variant (Variation ID: 1421226). Algorithms developed to predict the effect of missense changes on protein structure and function are either unavailable or do not agree on the potential impact of this missense change (SIFT: "Deleterious"; PolyPhen-2: "Possibly Damaging"; Align-GVGD: "Class C0"). In summary, the available evidence is currently insufficient to determine the role of this variant in disease. Therefore, it has been classified as a Variant of Uncertain Significance.

NM_000520.6(HEXA):c.367G>T (p.Asp123Tyr)

Gene: HEXA (hexosaminidase subunit alpha; minus strand). Cytogenetic location: 15q23.
Variant type: single nucleotide variant.
Coding change: c.367G>T on transcript NM_000520.6 (MANE Select); coding-DNA position 367, G replaced by T.
Protein change: p.Asp123Tyr; replaces aspartic acid 123 with tyrosine.
Molecular consequence: missense variant. On other transcripts: non-coding transcript variant (1).
Genome position (GRCh38, 1-based): chr15:72,355,604, C>A on the plus strand (G>T on the coding strand, the complement: HEXA is on the minus strand). VCF-style: chr15-72355604-C-A. GRCh37 (hg19) VCF-style: chr15-72647945-C-A.
Other names: c.400G>T, p.Asp134Tyr (NM_001318825.2); short protein forms D134Y, D123Y.
Identifiers: ClinVar variation 1421226 (VCV001421226.5), dbSNP rs768750119, ClinGen allele CA393066749.